The following is an entry in ClinVar:

NM_001370259.2(MEN1):c.913G>T (p.Gly305Cys)

Gene: MEN1 (menin 1; minus strand). Cytogenetic location: 11q13.1.
Variant type: single nucleotide variant.
Coding change: c.913G>T on transcript NM_001370259.2 (MANE Select); coding-DNA position 913, G replaced by T.
Protein change: p.Gly305Cys; replaces glycine 305 with cysteine.
Molecular consequence: missense variant. On other transcripts: non-coding transcript variant (4).
Genome position (GRCh38, 1-based): chr11:64,806,368, C>A on the plus strand (G>T on the coding strand, the complement: MEN1 is on the minus strand). VCF-style: chr11-64806368-C-A. GRCh37 (hg19) VCF-style: chr11-64573840-C-A.
Other names: c.928G>T, p.Gly310Cys (NM_130803.3, NM_130804.3, NM_130800.3 and 5 more transcripts); c.808G>T, p.Gly270Cys (NM_001407151.1, NM_001370262.2, NM_001370263.2 and 2 more transcripts); c.913G>T, p.Gly305Cys (NM_001407152.1, NM_130799.3, NM_001370251.2 and 7 more transcripts); short protein forms G310C, G270C, G305C.
Identifiers: ClinVar variation 4731530 (VCV004731530.1).

ClinVar aggregate classification (germline): Uncertain significance (1 of 4 stars; one submission).

Conditions:
Multiple endocrine neoplasia, type 1 (MEN1). Also called: MEN I; WERMER SYNDROME; Endocrine adenomatosis multiple; MEN 1; MEA I. Identifiers: Orphanet 652, MedGen C0025267, MeSH D018761, MONDO:0007540, OMIM 131100.

Submission:

Labcorp Genetics (formerly Invitae), Labcorp
Classification: Uncertain significance for Multiple endocrine neoplasia, type 1. Last evaluated: 2025-11-19. Review status: criteria provided, single submitter. Criteria: Invitae Variant Classification Sherloc (09022015). Collection method: clinical testing. Allele origin: germline.
Comment: This sequence change replaces glycine, which is neutral and non-polar, with cysteine, which is neutral and slightly polar, at codon 305 of the MEN1 protein (p.Gly305Cys). This variant is not present in population databases (gnomAD no frequency). This variant has not been reported in the literature in individuals affected with MEN1-related conditions. An algorithm developed to predict the effect of missense changes on protein structure and function (PolyPhen-2) suggests that this variant is likely to be disruptive. Algorithms developed to predict the effect of sequence changes on RNA splicing suggest that this variant may disrupt the consensus splice site. In summary, the available evidence is currently insufficient to determine the role of this variant in disease. Therefore, it has been classified as a Variant of Uncertain Significance.